The following is an entry in ClinVar:

NM_002439.5(MSH3):c.631G>A (p.Glu211Lys)

Gene: MSH3 (mutS homolog 3; plus strand). Cytogenetic location: 5q14.1.
Variant type: single nucleotide variant.
Coding change: c.631G>A on transcript NM_002439.5 (MANE Select); coding-DNA position 631, G replaced by A.
Protein change: p.Glu211Lys; replaces glutamic acid 211 with lysine.
Molecular consequence: missense variant.
Genome position (GRCh38, 1-based): chr5:80,670,148, G>A. VCF-style: chr5-80670148-G-A. GRCh37 (hg19) VCF-style: chr5-79965967-G-A.
Other names: short protein forms E211K.
Identifiers: ClinVar variation 836101 (VCV000836101.13), dbSNP rs781576430, ClinGen allele CA3327661.

ClinVar aggregate classification (germline): Uncertain significance. Review status: criteria provided, multiple submitters, no conflicts (2 of 4 stars). 3 submissions from 3 submitters: Uncertain significance (3). Last evaluated 2025-12-10.

Conditions:
Hereditary cancer-predisposing syndrome. Also called: Hereditary neoplastic syndrome; Neoplastic Syndromes, Hereditary; Tumor predisposition; Hereditary Cancer Syndrome. Identifiers: Orphanet 140162, MedGen C0027672, MeSH D009386, MONDO:0015356.

Allele frequency attached by ClinVar (database versions not stated): gnomAD exomes below 0.00001; ExAC 0.00001.
gnomAD v4.1: 7 of 1,614,094 alleles (0.00043%); highest among the groups gnomAD compares: South Asian, 0.0011%; no homozygotes.

Submissions (3):

Ambry Genetics
Classification: Uncertain significance for Hereditary cancer-predisposing syndrome. Last evaluated: 2025-12-10. Review status: criteria provided, single submitter. Criteria: Ambry Variant Classification Scheme 2023. Collection method: clinical testing. Allele origin: germline.
Comment: The p.E211K variant (also known as c.631G>A), located in coding exon 4 of the MSH3 gene, results from a G to A substitution at nucleotide position 631. The glutamic acid at codon 211 is replaced by lysine, an amino acid with similar properties. This amino acid position is well conserved in available vertebrate species. In addition, this alteration is predicted to be tolerated by in silico analysis. Since supporting evidence is limited at this time, the clinical significance of this alteration remains unclear.

Labcorp Genetics (formerly Invitae), Labcorp
Classification: Uncertain significance. Last evaluated: 2025-11-30. Review status: criteria provided, single submitter. Criteria: Invitae Variant Classification Sherloc (09022015). Collection method: clinical testing. Allele origin: germline.
Comment: This sequence change replaces glutamic acid, which is acidic and polar, with lysine, which is basic and polar, at codon 211 of the MSH3 protein (p.Glu211Lys). This variant is present in population databases (rs781576430, gnomAD 0.0009%). This variant has not been reported in the literature in individuals affected with MSH3-related conditions. ClinVar contains an entry for this variant (Variation ID: 836101). An algorithm developed to predict the effect of missense changes on protein structure and function (PolyPhen-2) suggests that this variant is likely to be tolerated. In summary, the available evidence is currently insufficient to determine the role of this variant in disease. Therefore, it has been classified as a Variant of Uncertain Significance.

Sema4
Classification: Uncertain significance for Hereditary cancer-predisposing syndrome. Last evaluated: 2021-07-26. Review status: criteria provided, single submitter. Criteria: Sema4 Curation Guidelines. Collection method: curation. Allele origin: germline.
Comment: The MSH3 c.631G>A (p.E211K) variant has not been reported in the literature to our knowledge. It was observed in 1/113652 chromosomes of the European (non-Finnish) subpopulation in the large and broad cohorts of the Genome Aggregation Database (PMID: 32461654) and has been reported in ClinVar (Variation ID 836101). Functional studies have not been performed, and in silico predictions of the variant's effect on protein function are inconclusive. The evidence is insufficient to meet ACMG/AMP criteria for classifying the variant as benign or pathogenic. Thus, the clinical significance of this variant is currently uncertain.